The following is an entry in ClinVar:

NM_015346.4(ZFYVE26):c.2137C>T (p.Gln713Ter)

Gene: ZFYVE26 (zinc finger FYVE-type containing 26; minus strand). Cytogenetic location: 14q24.1.
Variant type: single nucleotide variant.
Coding change: c.2137C>T on transcript NM_015346.4 (MANE Select); coding-DNA position 2137, C replaced by T.
Protein change: p.Gln713Ter; replaces glutamine 713 with a stop codon.
Molecular consequence: nonsense.
Genome position (GRCh38, 1-based): chr14:67,798,125, G>A on the plus strand (C>T on the coding strand, the complement: ZFYVE26 is on the minus strand). VCF-style: chr14-67798125-G-A. GRCh37 (hg19) VCF-style: chr14-68264842-G-A.
Other names: short protein forms Q713*.
Identifiers: ClinVar variation 5012854 (VCV005012854.1).
Genomic context (GRCh38, chr14:67,798,125, plus strand): 5'-CAACCTTGGAAAGTCGATGCAGGCGGCTCTGCAGTCCATCTCTGCTTCCTGAGCAGCTCT[G>A]ACTTTCTTGCTTTGGCTTCTCAGGAGGGCTGCGGCTACTGATCTCATCCAGTTGCTCTTG-3'

ClinVar aggregate classification (germline): Pathogenic (1 of 4 stars; one submission).

Conditions:
Hereditary spastic paraplegia 15 (SPG15). Also called: SPASTIC PARAPLEGIA 15, AUTOSOMAL RECESSIVE; KJELLIN SYNDROME; SPASTIC PARAPLEGIA AND RETINAL DEGENERATION. Identifiers: Orphanet 100996, MedGen C1849128, MONDO:0010044, OMIM 270700.

Submission:

Myriad Genetics, Inc.
Classification: Pathogenic for Hereditary spastic paraplegia 15. Last evaluated: 2024-03-22. Review status: criteria provided, single submitter. Criteria: Myriad Autosomal Dominant, Autosomal Recessive and X-Linked Classification Criteria (2023). Collection method: clinical testing. Allele origin: unknown.
Comment: NM_015346.3(ZFYVE26):c.2137C>T(Q713*) is expected to be pathogenic in the context of spastic paraplegia type 15. This variant is predicted to lead to an abnormal or absent protein product due to the creation of a premature termination codon in ZFYVE26, a gene where loss-of-function variants are known to be pathogenic. Please note: this variant was assessed in the context of healthy population screening.